The following is an entry in ClinVar:

ClinVar aggregate classification (germline): Uncertain significance. Review status: criteria provided, multiple submitters, no conflicts (2 of 4 stars). 2 submissions from 2 submitters: Uncertain significance (2). Last evaluated 2024-08-19.

Conditions:
Hereditary cancer-predisposing syndrome. Also called: Hereditary Cancer Syndrome; Hereditary neoplastic syndrome; Neoplastic Syndromes, Hereditary; Tumor predisposition. Identifiers: Orphanet 140162, MedGen C0027672, MeSH D009386, MONDO:0015356.

Submissions (2):

Ambry Genetics
Classification: Uncertain significance for Hereditary cancer-predisposing syndrome. Last evaluated: 2024-08-19. Review status: criteria provided, single submitter. Criteria: Ambry Variant Classification Scheme 2023. Collection method: clinical testing. Allele origin: germline.
Comment: The p.L1223P variant (also known as c.3668T>C), located in coding exon 24 of the RAD50 gene, results from a T to C substitution at nucleotide position 3668. The leucine at codon 1223 is replaced by proline, an amino acid with similar properties. This amino acid position is conserved. In addition, this alteration is predicted to be deleterious by in silico analysis. Based on the available evidence, the clinical significance of this variant remains unclear.

Labcorp Genetics (formerly Invitae), Labcorp
Classification: Uncertain significance for Hereditary cancer-predisposing syndrome. Last evaluated: 2021-03-09. Review status: criteria provided, single submitter. Criteria: Invitae Variant Classification Sherloc (09022015). Collection method: clinical testing. Allele origin: germline.
Comment: In summary, the available evidence is currently insufficient to determine the role of this variant in disease. Therefore, it has been classified as a Variant of Uncertain Significance. Algorithms developed to predict the effect of missense changes on protein structure and function are either unavailable or do not agree on the potential impact of this missense change (SIFT: "Tolerated"; PolyPhen-2: "Probably Damaging"; Align-GVGD: "Class C0"). This variant has not been reported in the literature in individuals with RAD50-related conditions. This variant is not present in population databases (ExAC no frequency). This sequence change replaces leucine with proline at codon 1223 of the RAD50 protein (p.Leu1223Pro). The leucine residue is moderately conserved and there is a moderate physicochemical difference between leucine and proline.

NM_005732.4(RAD50):c.3668T>C (p.Leu1223Pro)

Genes: TH2LCRR (T helper type 2 locus control region associated RNA; minus strand), RAD50 (RAD50 double strand break repair protein; plus strand), TH2-LCR (Th2 cytokine locus control region; plus strand). Cytogenetic location: 5q31.1.
Variant type: single nucleotide variant.
Coding change: c.3668T>C on transcript NM_005732.4 (MANE Select); coding-DNA position 3668, T replaced by C.
Protein change: p.Leu1223Pro; replaces leucine 1223 with proline.
Molecular consequence: missense variant.
Genome position (GRCh38, 1-based): chr5:132,640,721, T>C. VCF-style: chr5-132640721-T-C. GRCh37 (hg19) VCF-style: chr5-131976413-T-C.
Other names: c.3668T>C (NM_005732.3); short protein forms L1223P.
Identifiers: ClinVar variation 1434927 (VCV001434927.9), dbSNP rs1581023721, ClinGen allele CA360934062.